The following is an entry in ClinVar:

ClinVar aggregate classification (germline): Benign (1 of 4 stars; one submission).

Allele frequency attached by ClinVar (database versions not stated): gnomAD below 0.00001 and 0.00001; gnomAD exomes below 0.00001.
gnomAD v4.1: 6 of 985,006 alleles (0.00061%); highest among the groups gnomAD compares: South Asian, 0.018%; no homozygotes.

Submission:

GeneDx
Classification: Benign. Last evaluated: 2014-09-18. Review status: criteria provided, single submitter. Criteria: GeneDx Variant Classification (06012015). Collection method: clinical testing. Allele origin: germline. Affected: yes.
Comment: This variant is considered likely benign or benign based on one or more of the following criteria: it is a conservative change, it occurs at a poorly conserved position in the protein, it is predicted to be benign by multiple in silico algorithms, and/or has population frequency not consistent with disease.

NM_001083962.2(TCF4):c.-37C>T

Gene: TCF4 (transcription factor 4; minus strand). Cytogenetic location: 18q21.2.
Variant type: single nucleotide variant.
Coding change: c.-37C>T on transcript NM_001083962.2 (MANE Select); 37 bases upstream of the start codon, C replaced by T.
Molecular consequence: 5 prime UTR variant. On other transcripts: intron variant (14).
Genome position (GRCh38, 1-based): chr18:55,588,054, G>A on the plus strand (C>T on the coding strand, the complement: TCF4 is on the minus strand). VCF-style: chr18-55588054-G-A. GRCh37 (hg19) VCF-style: chr18-53255285-G-A.
Other names: c.-37C>T (NM_001330604.3, NM_001369570.1, NM_001369573.1 and 2 more transcripts); c.-17C>T (NM_001369575.1, NM_001369578.1, NM_001369579.1 and 2 more transcripts); c.287-918C>T (NM_001243226.3); c.-1+1243C>T (NM_001369584.1, NM_001369576.1, NM_001369577.1 and 3 more transcripts); c.-20-918C>T (NM_001369571.1, NM_001369567.1, NM_001243228.2); c.66+416C>T (NM_001243230.2); c.-21+416C>T (NM_001369569.1, NM_001369572.1, NM_001369568.1).
Identifiers: ClinVar variation 207521 (VCV000207521.1), dbSNP rs796053409, ClinGen allele CA319083.